The following is an entry in ClinVar:

ClinVar aggregate classification (germline): Conflicting classifications of pathogenicity. Review status: criteria provided, conflicting classifications (1 of 4 stars). 3 submissions from 3 submitters: Uncertain significance (2); Likely benign (1). Last evaluated 2026-01-27.

Conditions:
ANKS6-related disorder. Also called: ANKS6-related condition.
Nephronophthisis 16 (NPHP16). Identifiers: Orphanet 655, MedGen C3809320, MONDO:0014158, OMIM 615382.

Allele frequency attached by ClinVar (database versions not stated): 1000 Genomes Project 0.00060; 1000 Genomes Project 30x 0.00062; TOPMed 0.00002; gnomAD 0.00008; gnomAD exomes 0.00012 and 0.00022; ExAC 0.00030.
gnomAD v4.1: 187 of 1,597,830 alleles (0.012%); highest among the groups gnomAD compares: South Asian, 0.2%; 1 homozygote.

Submissions (3):

PreventionGenetics, part of Exact Sciences
Classification: Likely benign for ANKS6-related condition. Last evaluated: 2026-01-27. Review status: criteria provided, single submitter. Criteria: ACMG Guidelines, 2015. Collection method: clinical testing. Allele origin: germline.
Comment: This variant is classified as likely benign based on ACMG/AMP sequence variant interpretation guidelines (Richards et al. 2015 PMID: 25741868, with internal and published modifications).

Fulgent Genetics
Classification: Uncertain significance for Nephronophthisis 16. Last evaluated: 2024-05-20. Review status: criteria provided, single submitter. Criteria: ACMG Guidelines, 2015. Collection method: clinical testing. Allele origin: germline.

Labcorp Genetics (formerly Invitae), Labcorp
Classification: Uncertain significance for Nephronophthisis 16. Last evaluated: 2020-11-28. Review status: criteria provided, single submitter. Criteria: Invitae Variant Classification Sherloc (09022015). Collection method: clinical testing. Allele origin: germline.
Comment: This sequence change replaces serine with phenylalanine at codon 628 of the ANKS6 protein (p.Ser628Phe). The serine residue is highly conserved and there is a large physicochemical difference between serine and phenylalanine. This variant is present in population databases (rs554990244, ExAC 0.2%). This variant has not been reported in the literature in individuals with ANKS6-related conditions. Algorithms developed to predict the effect of missense changes on protein structure and function are either unavailable or do not agree on the potential impact of this missense change (SIFT: "Deleterious"; PolyPhen-2: "Probably Damaging"; Align-GVGD: "Class C15"). In summary, the available evidence is currently insufficient to determine the role of this variant in disease. Therefore, it has been classified as a Variant of Uncertain Significance.

NM_173551.5(ANKS6):c.1883C>T (p.Ser628Phe)

Genes: ANKS6 (ankyrin repeat and sterile alpha motif domain containing 6; minus strand), LOC124310614 (Sharpr-MPRA regulatory region 9654; plus strand). Cytogenetic location: 9q22.33.
Variant type: single nucleotide variant.
Coding change: c.1883C>T on transcript NM_173551.5 (MANE Select); coding-DNA position 1883, C replaced by T.
Protein change: p.Ser628Phe; replaces serine 628 with phenylalanine.
Molecular consequence: missense variant.
Genome position (GRCh38, 1-based): chr9:98,770,985, G>A on the plus strand (C>T on the coding strand, the complement: ANKS6 is on the minus strand). VCF-style: chr9-98770985-G-A. GRCh37 (hg19) VCF-style: chr9-101533267-G-A.
Other names: c.1883C>T (NM_173551.4); short protein forms S628F.
Identifiers: ClinVar variation 1385124 (VCV001385124.9), dbSNP rs554990244, ClinGen allele CA5153331.